The following is an entry in ClinVar:

ClinVar aggregate classification (germline): Pathogenic. Review status: criteria provided, multiple submitters, no conflicts (2 of 4 stars). 7 submissions from 7 submitters: Pathogenic (6). 1 of the submissions does not count toward it. Last evaluated 2025-03-18.

Conditions:
Inborn genetic diseases. Identifiers: MedGen C0950123, MeSH D030342.
Wiedemann-Steiner syndrome (WDSTS). Also called: Growth deficiency and mental retardation with facial dysmorphism. Identifiers: Orphanet 319182, MedGen C1854630, MONDO:0011518, OMIM 605130.

Submissions (7):

Division of Genetic & Genomic Pathology, Hong Kong Children's Hospital
Classification: Pathogenic for Wiedemann-Steiner syndrome. Last evaluated: 2025-03-18. Review status: criteria provided, single submitter. Criteria: ACMG Guidelines, 2015. Collection method: clinical testing. Allele origin: germline. Affected: yes.
Comment: KMT2A c.7438C>T p.(Arg2480*) is a nonsense variant located in exon 27 (out of 36 exons) of the gene. It creates a premature stop codon and is predicted to result in nonsense mediated decay. Loss-of-function is an established disease mechanism for the KMT2A gene (ClinGen Dosage ID: ISCA- 14169; HI Score=3). The variant is absent in population control databases (gnomAD v4.1.0). It has been reported as pathogenic by multiple submitters in ClinVar (VCV000449960.8). This variant has been reported in patients with KMT2A-related disorders (PMID: 25810209, 28191889 and 29574747). For these reasons, KMT2A c.7438C>T p.(Arg2480*) is classified as pathogenic.

Ambry Genetics
Classification: Pathogenic for Inborn genetic diseases. Last evaluated: 2024-05-16. Review status: criteria provided, single submitter. Criteria: Ambry Variant Classification Scheme 2023. Collection method: clinical testing. Allele origin: germline.
Comment: The c.7438C>T (p.R2480*) alteration, located in exon 27 (coding exon 27) of the KMT2A gene, consists of a C to T substitution at nucleotide position 7438. This changes the amino acid from an arginine (R) to a stop codon at amino acid position 2480. This alteration is expected to result in loss of function by premature protein truncation or nonsense-mediated mRNA decay. This variant was not reported in population-based cohorts in the Genome Aggregation Database (gnomAD). This variant has been detected in multiple individuals with features consistent with Wiedemann-Steiner syndrome, including multiple cases of reported de novo occurrence (Miyake, 2015; Baer, 2018; Sheppard, 2021; Foroutan, 2022). Based on the available evidence, this alteration is classified as pathogenic.

3billion
Classification: Pathogenic for Wiedemann-Steiner syndrome. Last evaluated: 2023-07-10. Review status: criteria provided, single submitter. Criteria: ACMG Guidelines, 2015. Collection method: clinical testing. Allele origin: germline. Affected: yes.
Comment: The variant is not observed in the gnomAD v2.1.1 dataset. Predicted Consequence/Location: Stop-gained (nonsense): predicted to result in a loss or disruption of normal protein function through nonsense-mediated decay (NMD) or protein truncation. Multiple pathogenic variants are reported downstream of the variant. The variant has been previously reported as de novo in a similarly affected individual (PMID: 25810209). The variant has been reported at least twice as pathogenic with clinical assertions and evidence for the classification (ClinVar ID: VCV000449960 /PMID: 25810209). Therefore, this variant is classified as Pathogenic according to the recommendation of ACMG/AMP guideline.

GeneDx
Classification: Pathogenic. Last evaluated: 2022-03-11. Review status: criteria provided, single submitter. Criteria: GeneDx Variant Classification Process June 2021. Collection method: clinical testing. Allele origin: germline. Affected: yes.
Comment: Nonsense variant predicted to result in protein truncation or nonsense mediated decay in a gene for which loss-of-function is a known mechanism of disease; Not observed in large population cohorts (gnomAD); This variant is associated with the following publications: (PMID: 30305169, 25810209, 29574747, 33004838, 33783954, 28191889)

Institute of Medical Genetics and Applied Genomics, University Hospital Tübingen
Classification: Pathogenic for Wiedemann-Steiner syndrome. Last evaluated: 2021-10-25. Review status: criteria provided, single submitter. Criteria: ACMG Guidelines, 2015. Collection method: clinical testing. Allele origin: germline. Inheritance: Autosomal dominant inheritance. Affected: yes.

Clinical Genetics and Genomics, Karolinska University Hospital
Classification: Pathogenic. Last evaluated: 2017-10-05. Review status: criteria provided, single submitter. Criteria: ACMG Guidelines, 2015. Collection method: clinical testing. Allele origin: germline. Affected: yes. Observed: 1 variant allele.

OMIM
Classification: Pathogenic for WIEDEMANN-STEINER SYNDROME. Last evaluated: 2018-04-27. Review status: no assertion criteria provided. Collection method: literature only. Allele origin: germline. Not counted in ClinVar's aggregate classification.

Literature cited by the submitters: PubMed 25810209 (cited by 4 submitters); PubMed 28191889 (cited by Division of Genetic & Genomic Pathology, Hong Kong Children's Hospital); PubMed 29574747 (cited by Division of Genetic & Genomic Pathology, Hong Kong Children's Hospital and Ambry Genetics); PubMed 33783954 (cited by Ambry Genetics); PubMed 35163737 (cited by Ambry Genetics).

NM_001197104.2(KMT2A):c.7438C>T (p.Arg2480Ter)

Gene: KMT2A (lysine methyltransferase 2A; plus strand). Cytogenetic location: 11q23.3.
Variant type: single nucleotide variant.
Coding change: c.7438C>T on transcript NM_001197104.2 (MANE Select); coding-DNA position 7438, C replaced by T.
Protein change: p.Arg2480Ter; replaces arginine 2480 with a stop codon.
Molecular consequence: nonsense.
Genome position (GRCh38, 1-based): chr11:118,503,330, C>T. VCF-style: chr11-118503330-C-T. GRCh37 (hg19) VCF-style: chr11-118374045-C-T.
Other names: c.7429C>T, p.Arg2477Ter (NM_005933.4); short protein forms R2480*, R2477*.
Identifiers: ClinVar variation 449960 (VCV000449960.10), dbSNP rs1555046568, ClinGen allele CA382805583.